The following is an entry in ClinVar:

NM_000289.6(PFKM):c.1653+8C>T

Gene: PFKM (phosphofructokinase, muscle; plus strand). Cytogenetic location: 12q13.11.
Variant type: single nucleotide variant.
Coding change: c.1653+8C>T on transcript NM_000289.6 (MANE Select); 8 bases into the intron after coding-DNA position 1653, C replaced by T.
Molecular consequence: intron variant.
Genome position (GRCh38, 1-based): chr12:48,142,074, C>T. VCF-style: chr12-48142074-C-T. GRCh37 (hg19) VCF-style: chr12-48535857-C-T.
Other names: c.1677+8C>T (NM_001354741.2); c.1653+8C>T (NM_001354742.2, NM_001354743.2, NM_001354744.2 and 2 more transcripts); c.1503+8C>T (NM_001354747.2, NM_001354748.2); c.1866+8C>T (NM_001166686.2, NM_001354737.1, NM_001354739.1 and 1 more transcripts); c.1962+8C>T (NM_001354736.1, NM_001354735.1); c.1797+8C>T (NM_001354740.1); c.1566+8C>T (NM_001354745.2); c.1527+8C>T (NM_001354746.2); and 1 more.
Identifiers: ClinVar variation 681592 (VCV000681592.16), dbSNP rs369425921, ClinGen allele CA6537409.
Genomic context (GRCh38, chr12:48,142,074, plus strand): 5'-CTGGCTCAGACTTCAGCGTTGGGGCTGACACAGCACTCAATACTATCTGCACAGTGAGAG[C>T]CTATCACCACTTCCCATCCCTTTTGGCCAGGATTATAATCCTTAAACTGAGTGTGGTCCC-3'

ClinVar aggregate classification (germline): Likely benign. Review status: criteria provided, multiple submitters, no conflicts (2 of 4 stars). 5 submissions from 5 submitters: Likely benign (4). 1 of the submissions does not count toward it. Last evaluated 2026-01-08.

Conditions:
Glycogen storage disease, type VII (GSD7). Also called: GSD VII; MUSCLE PHOSPHOFRUCTOKINASE DEFICIENCY; PFKM DEFICIENCY; TARUI DISEASE. Identifiers: Orphanet 371, MedGen C0017926, MONDO:0009295, OMIM 232800.
PFKM-related disorder. Also called: PFKM-related condition.

Allele frequency attached by ClinVar (database versions not stated): ExAC 0.00003; ESP Exome Variant Server 0.00008; TOPMed 0.00016; gnomAD 0.00022.
gnomAD v4.1: 37 of 1,613,440 alleles (0.0023%); highest among the groups gnomAD compares: African/African-American, 0.047%; no homozygotes.

Submissions (5):

Labcorp Genetics (formerly Invitae), Labcorp
Classification: Likely benign for Glycogen storage disease, type VII. Last evaluated: 2026-01-08. Review status: criteria provided, single submitter. Criteria: Invitae Variant Classification Sherloc (09022015). Collection method: clinical testing. Allele origin: germline.

PreventionGenetics, part of Exact Sciences
Classification: Likely benign for PFKM-related condition. Last evaluated: 2024-11-03. Review status: criteria provided, single submitter. Criteria: ACMG Guidelines, 2015. Collection method: clinical testing. Allele origin: germline.
Comment: This variant is classified as likely benign based on ACMG/AMP sequence variant interpretation guidelines (Richards et al. 2015 PMID: 25741868, with internal and published modifications).

Blueprint Genetics
Classification: Likely benign. Last evaluated: 2024-05-03. Review status: criteria provided, single submitter. Criteria: ACMG Guidelines, 2015. Collection method: clinical testing. Allele origin: germline.

GeneDx
Classification: Likely benign. Last evaluated: 2018-04-17. Review status: criteria provided, single submitter. Criteria: GeneDx Variant Classification (06012015). Collection method: clinical testing. Allele origin: germline. Affected: yes.
Comment: This variant is considered likely benign or benign based on one or more of the following criteria: it is a conservative change, it occurs at a poorly conserved position in the protein, it is predicted to be benign by multiple in silico algorithms, and/or has population frequency not consistent with disease.

Natera, Inc.
Classification: Likely benign for Glycogen storage disease type VII. Last evaluated: 2020-08-31. Review status: no assertion criteria provided. Collection method: clinical testing. Allele origin: germline. Not counted in ClinVar's aggregate classification.